The following is an entry in ClinVar:

ClinVar aggregate classification (germline): Benign/Likely benign. Review status: criteria provided, multiple submitters, no conflicts (2 of 4 stars). 6 submissions from 6 submitters: Benign (1); Likely benign (4). 1 of the submissions does not count toward it. Last evaluated 2026-05-01.

Conditions:
CPS1-related disorder. Also called: CPS1-related condition.
Congenital hyperammonemia, type I. Also called: Carbamoyl-phosphate synthase I deficiency; Carbamoyl phosphate synthetase I deficiency disease; CPS I DEFICIENCY; Carbamoyl phosphate synthetase 1 deficiency; Hyperammonemia due to carbamoyl phosphate synthetase 1 deficiency; CPS 1 deficiency. Identifiers: Orphanet 147, MedGen C4082171, MONDO:0009376, OMIM 237300.

Allele frequency attached by ClinVar (database versions not stated): gnomAD exomes 0.00012 and 0.00028; ExAC 0.00038; ESP Exome Variant Server 0.00092; TOPMed 0.00099; gnomAD 0.00106 and 0.00114; 1000 Genomes Project 30x 0.00156; 1000 Genomes Project 0.00180.
gnomAD v4.1: 343 of 1,612,528 alleles (0.021%); highest among the groups gnomAD compares: African/African-American, 0.34%; 3 homozygotes.

Submissions (6):

CeGaT Center for Human Genetics Tuebingen
Classification: Likely benign. Last evaluated: 2026-05-01. Review status: criteria provided, single submitter. Criteria: CeGaT Center For Human Genetics Tuebingen Variant Classification Criteria Version 2. Collection method: clinical testing. Allele origin: germline. Affected: yes. Observed: 2 variant alleles.
Comment: CPS1: BP4, BP7

Labcorp Genetics (formerly Invitae), Labcorp
Classification: Benign for Congenital hyperammonemia, type I. Last evaluated: 2026-01-31. Review status: criteria provided, single submitter. Criteria: Invitae Variant Classification Sherloc (09022015). Collection method: clinical testing. Allele origin: germline.

Blueprint Genetics
Classification: Likely benign. Last evaluated: 2024-06-11. Review status: criteria provided, single submitter. Criteria: ACMG Guidelines, 2015. Collection method: clinical testing. Allele origin: germline.

GeneDx
Classification: Likely benign. Last evaluated: 2017-11-07. Review status: criteria provided, single submitter. Criteria: GeneDx Variant Classification (06012015). Collection method: clinical testing. Allele origin: germline. Affected: yes.
Comment: This variant is considered likely benign or benign based on one or more of the following criteria: it is a conservative change, it occurs at a poorly conserved position in the protein, it is predicted to be benign by multiple in silico algorithms, and/or has population frequency not consistent with disease.

Breakthrough Genomics
Classification: Likely benign. Review status: criteria provided, single submitter. Criteria: ACMG Guidelines, 2015. Collection method: not provided. Allele origin: germline. Inheritance: Autosomal recessive inheritance. Affected: yes.

PreventionGenetics, part of Exact Sciences
Classification: Likely benign for CPS1-related condition. Last evaluated: 2019-04-07. Review status: no assertion criteria provided. Collection method: clinical testing. Allele origin: germline. Not counted in ClinVar's aggregate classification.
Comment: This variant is classified as likely benign based on ACMG/AMP sequence variant interpretation guidelines (Richards et al. 2015 PMID: 25741868, with internal and published modifications).

NM_001875.5(CPS1):c.1437G>A (p.Ala479=)

Gene: CPS1 (carbamoyl-phosphate synthase 1; plus strand). Cytogenetic location: 2q34.
Variant type: single nucleotide variant.
Coding change: c.1437G>A on transcript NM_001875.5 (MANE Select); coding-DNA position 1437, G replaced by A.
Protein change: p.Ala479=; no amino-acid change (alanine 479 retained).
Molecular consequence: synonymous variant. On other transcripts: non-coding transcript variant (2).
Genome position (GRCh38, 1-based): chr2:210,599,449, G>A. VCF-style: chr2-210599449-G-A. GRCh37 (hg19) VCF-style: chr2-211464173-G-A.
Other names: c.1437G>A (LRG_336t1); c.1437G>A, p.Ala479= (NM_001122633.3, NM_001369257.1); c.1470G>A, p.Ala490= (NM_001369256.1).
Identifiers: ClinVar variation 389590 (VCV000389590.24), dbSNP rs80261173, ClinGen allele CA2086365.
Genomic context (GRCh38, chr2:210,599,449, plus strand): 5'-TGTTCTGATGAACCCAAACATTGCATCAGTCCAGACCAATGAGGTGGGCTTAAAGCAAGC[G>A]GATACTGTCTACTTTCTTCCCATCACCCCTCAGTTTGTCACAGAGGTCATCAAGGCAGAA-3'
Protein context (NP_001866.2, residues 469-489): VQTNEVGLKQ[Ala479=]DTVYFLPITP